The following is an entry in ClinVar:

NM_000215.4(JAK3):c.478G>T (p.Gly160Cys)

Gene: JAK3 (Janus kinase 3; minus strand). Cytogenetic location: 19p13.11.
Variant type: single nucleotide variant.
Coding change: c.478G>T on transcript NM_000215.4 (MANE Select); coding-DNA position 478, G replaced by T.
Protein change: p.Gly160Cys; replaces glycine 160 with cysteine.
Molecular consequence: missense variant.
Genome position (GRCh38, 1-based): chr19:17,843,115, C>A on the plus strand (G>T on the coding strand, the complement: JAK3 is on the minus strand). VCF-style: chr19-17843115-C-A. GRCh37 (hg19) VCF-style: chr19-17953924-C-A.
Other names: short protein forms G160C.
Identifiers: ClinVar variation 663479 (VCV000663479.7), dbSNP rs149579831, ClinGen allele CA9302156.

ClinVar aggregate classification (germline): Uncertain significance. Review status: criteria provided, multiple submitters, no conflicts (2 of 4 stars). 3 submissions from 3 submitters: Uncertain significance (3). Last evaluated 2024-06-11.

Conditions:
Inborn genetic diseases. Identifiers: MedGen C0950123, MeSH D030342.
T-B+ severe combined immunodeficiency due to JAK3 deficiency. Also called: SCID, autosomal recessive, T-negative/B-positive type; SCID, T CELL-NEGATIVE, B CELL-POSITIVE, NK CELL-NEGATIVE. Identifiers: Orphanet 35078, MedGen C1833275, MONDO:0010938, OMIM 600802.

Allele frequency attached by ClinVar (database versions not stated): ExAC 0.00005; gnomAD exomes 0.00005 and 0.00011; gnomAD 0.00009 and 0.00011; TOPMed 0.00016; ESP Exome Variant Server 0.00023.

Submissions (3):

Blueprint Genetics
Classification: Uncertain significance. Last evaluated: 2024-06-11. Review status: criteria provided, single submitter. Criteria: ACMG Guidelines, 2015. Collection method: clinical testing. Allele origin: germline.

Labcorp Genetics (formerly Invitae), Labcorp
Classification: Uncertain significance for T-B+ severe combined immunodeficiency due to JAK3 deficiency. Last evaluated: 2022-08-09. Review status: criteria provided, single submitter. Criteria: Invitae Variant Classification Sherloc (09022015). Collection method: clinical testing. Allele origin: germline.
Comment: This sequence change replaces glycine, which is neutral and non-polar, with cysteine, which is neutral and slightly polar, at codon 160 of the JAK3 protein (p.Gly160Cys). This variant is present in population databases (rs149579831, gnomAD 0.01%). This variant has not been reported in the literature in individuals affected with JAK3-related conditions. ClinVar contains an entry for this variant (Variation ID: 663479). Algorithms developed to predict the effect of missense changes on protein structure and function are either unavailable or do not agree on the potential impact of this missense change (SIFT: "Deleterious"; PolyPhen-2: "Possibly Damaging"; Align-GVGD: "Class C0"). In summary, the available evidence is currently insufficient to determine the role of this variant in disease. Therefore, it has been classified as a Variant of Uncertain Significance.

Ambry Genetics
Classification: Uncertain significance for Inborn genetic diseases. Last evaluated: 2021-09-16. Review status: criteria provided, single submitter. Criteria: Ambry Variant Classification Scheme 2023. Collection method: clinical testing. Allele origin: germline.